The following is an entry in ClinVar:

ClinVar aggregate classification (germline): Uncertain significance. Review status: criteria provided, multiple submitters, no conflicts (2 of 4 stars). 3 submissions from 3 submitters: Uncertain significance (2). 1 of the submissions does not count toward it. Last evaluated 2023-12-16.

Conditions:
Inborn genetic diseases. Identifiers: MedGen C0950123, MeSH D030342.
Combined malonic and methylmalonic acidemia. Identifiers: Orphanet 289504, MedGen C3280314, MONDO:0013661, OMIM 614265.

Allele frequency attached by ClinVar (database versions not stated): TOPMed 0.00002; gnomAD 0.00004; ESP Exome Variant Server 0.00008.
gnomAD v4.1: 42 of 1,609,752 alleles (0.0026%); highest among the groups gnomAD compares: East Asian, 0.016%; no homozygotes.

Submissions (3):

Ambry Genetics
Classification: Uncertain significance for Inborn genetic diseases. Last evaluated: 2023-12-16. Review status: criteria provided, single submitter. Criteria: Ambry Variant Classification Scheme 2023. Collection method: clinical testing. Allele origin: germline.

Labcorp Genetics (formerly Invitae), Labcorp
Classification: Uncertain significance for Combined malonic and methylmalonic acidemia. Last evaluated: 2021-08-28. Review status: criteria provided, single submitter. Criteria: Invitae Variant Classification Sherloc (09022015). Collection method: clinical testing. Allele origin: germline.
Comment: This sequence change replaces proline with leucine at codon 169 of the ACSF3 protein (p.Pro169Leu). The proline residue is moderately conserved and there is a moderate physicochemical difference between proline and leucine. This variant is present in population databases (rs377732201, ExAC 0.02%). This variant has not been reported in the literature in individuals affected with ACSF3-related conditions. Algorithms developed to predict the effect of missense changes on protein structure and function (SIFT, PolyPhen-2, Align-GVGD) all suggest that this variant is likely to be tolerated. In summary, the available evidence is currently insufficient to determine the role of this variant in disease. Therefore, it has been classified as a Variant of Uncertain Significance.

Natera, Inc.
Classification: Uncertain significance for Combined malonic and methylmalonic aciduria. Last evaluated: 2020-02-28. Review status: no assertion criteria provided. Collection method: clinical testing. Allele origin: germline. Not counted in ClinVar's aggregate classification.

NM_001243279.3(ACSF3):c.506C>T (p.Pro169Leu)

Gene: ACSF3 (acyl-CoA synthetase family member 3; plus strand). Cytogenetic location: 16q24.3.
Variant type: single nucleotide variant.
Coding change: c.506C>T on transcript NM_001243279.3 (MANE Select); coding-DNA position 506, C replaced by T.
Protein change: p.Pro169Leu; replaces proline 169 with leucine.
Molecular consequence: missense variant. On other transcripts: non-coding transcript variant (3), intron variant (1).
Genome position (GRCh38, 1-based): chr16:89,101,187, C>T. VCF-style: chr16-89101187-C-T. GRCh37 (hg19) VCF-style: chr16-89167595-C-T.
Other names: c.506C>T, p.Pro169Leu (NM_001127214.4, NM_174917.5); c.-129-1417C>T (NM_001284316.2); c.506C>T (NM_174917.3); short protein forms P169L.
Identifiers: ClinVar variation 646427 (VCV000646427.7), dbSNP rs377732201, ClinGen allele CA8237676.